The following is an entry in ClinVar:

ClinVar aggregate classification (germline): Uncertain significance. Review status: criteria provided, multiple submitters, no conflicts (2 of 4 stars). 2 submissions from 2 submitters: Uncertain significance (2). Last evaluated 2025-09-02.

Conditions:
Combined oxidative phosphorylation defect type 15. Also called: Combined oxidative phosphorylation deficiency 15. Identifiers: Orphanet 319524, MedGen C4706313, MONDO:0013987, OMIM 614947.
Mitochondrial complex I deficiency, nuclear type 27. Also called: Mitochondrial complex 1 deficiency, nuclear type 27. Identifiers: MedGen C4748826, MONDO:0032631, OMIM 618248.

Allele frequency attached by ClinVar (database versions not stated): gnomAD exomes below 0.00001; TOPMed below 0.00001.
gnomAD v4.1: 4 of 1,613,612 alleles (0.00025%); highest among the groups gnomAD compares: Non-Finnish European, 0.00025%; no homozygotes.

Submissions (2):

Labcorp Genetics (formerly Invitae), Labcorp
Classification: Uncertain significance. Last evaluated: 2025-09-02. Review status: criteria provided, single submitter. Criteria: Invitae Variant Classification Sherloc (09022015). Collection method: clinical testing. Allele origin: germline.
Comment: This sequence change replaces glutamine, which is neutral and polar, with glutamic acid, which is acidic and polar, at codon 355 of the MTFMT protein (p.Gln355Glu). This variant is present in population databases (no rsID available, gnomAD 0.0009%). This variant has not been reported in the literature in individuals affected with MTFMT-related conditions. ClinVar contains an entry for this variant (Variation ID: 1492324). Invitae Evidence Modeling of protein sequence and biophysical properties (such as structural, functional, and spatial information, amino acid conservation, physicochemical variation, residue mobility, and thermodynamic stability) indicates that this missense variant is not expected to disrupt MTFMT protein function with a negative predictive value of 95%. Algorithms developed to predict the effect of sequence changes on RNA splicing suggest that this variant may create or strengthen a splice site. In summary, the available evidence is currently insufficient to determine the role of this variant in disease. Therefore, it has been classified as a Variant of Uncertain Significance.

Department of Pathology and Laboratory Medicine, Sinai Health System
Classification: Uncertain significance for Combined oxidative phosphorylation defect type 15; Mitochondrial complex I deficiency, nuclear type 27. Last evaluated: 2020-06-01. Review status: criteria provided, single submitter. Criteria: ACMG Guidelines, 2015. Collection method: research. Allele origin: germline.

NM_139242.4(MTFMT):c.1063C>G (p.Gln355Glu)

Gene: MTFMT (mitochondrial methionyl-tRNA formyltransferase; minus strand). Cytogenetic location: 15q22.31.
Variant type: single nucleotide variant.
Coding change: c.1063C>G on transcript NM_139242.4 (MANE Select); coding-DNA position 1063, C replaced by G.
Protein change: p.Gln355Glu; replaces glutamine 355 with glutamic acid.
Molecular consequence: missense variant.
Genome position (GRCh38, 1-based): chr15:65,003,169, G>C on the plus strand (C>G on the coding strand, the complement: MTFMT is on the minus strand). VCF-style: chr15-65003169-G-C. GRCh37 (hg19) VCF-style: chr15-65295507-G-C.
Other names: short protein forms Q355E.
Identifiers: ClinVar variation 1492324 (VCV001492324.7), dbSNP rs1446833139, ClinGen allele CA392844779.